The following is an entry in ClinVar:

NM_003640.5(ELP1):c.1643+2T>C

Gene: ELP1 (elongator acetyltransferase complex subunit 1; minus strand). Cytogenetic location: 9q31.3.
Variant type: single nucleotide variant.
Coding change: c.1643+2T>C on transcript NM_003640.5 (MANE Select); the canonical splice donor site of the intron after coding-DNA position 1643, T replaced by C.
Molecular consequence: splice donor variant.
Genome position (GRCh38, 1-based): chr9:108,906,301, A>G on the plus strand (T>C on the coding strand, the complement: ELP1 is on the minus strand). VCF-style: chr9-108906301-A-G. GRCh37 (hg19) VCF-style: chr9-111668581-A-G.
Other names: c.1301+2T>C (NM_001318360.2); c.596+2T>C (NM_001330749.2).
Identifiers: ClinVar variation 2905887 (VCV002905887.4), dbSNP rs2537912381, ClinGen allele CA374426935.

ClinVar aggregate classification (germline): Conflicting classifications of pathogenicity. Review status: criteria provided, conflicting classifications (1 of 4 stars). 2 submissions from 2 submitters: Likely pathogenic (1); Uncertain significance (1). Last evaluated 2025-10-13.

Conditions:
Familial dysautonomia. Also called: HSAN III; FD. Identifiers: Orphanet 1764, MedGen C0013364, MONDO:0009131, OMIM 223900. Disease mechanism: loss of function.

Submissions (2):

Myriad Genetics, Inc.
Classification: Uncertain significance for Familial dysautonomia. Last evaluated: 2025-10-13. Review status: criteria provided, single submitter. Criteria: Myriad Autosomal Dominant, Autosomal Recessive and X-Linked Classification Criteria (2023). Collection method: clinical testing. Allele origin: unknown.
Comment: NM_003640.3(ELP1):c.1643+2T>C is a variant in a canonical splice site classified as a variant of uncertain significance in the context of familial dysautonomia. c.1643+2T>C has not been observed in cases with relevant disease. Relevant functional assessments of this variant are not available in the literature. c.1643+2T>C has not been observed in referenced population frequency databases. In summary, there is insufficient evidence to classify NM_003640.3(ELP1):c.1643+2T>C as pathogenic or benign. Please note: this variant was assessed in the context of healthy population screening.

Labcorp Genetics (formerly Invitae), Labcorp
Classification: Likely pathogenic. Last evaluated: 2023-06-16. Review status: criteria provided, single submitter. Criteria: Invitae Variant Classification Sherloc (09022015). Collection method: clinical testing. Allele origin: germline.
Comment: In summary, the currently available evidence indicates that the variant is pathogenic, but additional data are needed to prove that conclusively. Therefore, this variant has been classified as Likely Pathogenic. Algorithms developed to predict the effect of sequence changes on RNA splicing suggest that this variant may disrupt the consensus splice site. This variant has not been reported in the literature in individuals affected with ELP1-related conditions. This variant is not present in population databases (gnomAD no frequency). This sequence change affects a donor splice site in intron 14 of the ELP1 gene. It is expected to disrupt RNA splicing. Variants that disrupt the donor or acceptor splice site typically lead to a loss of protein function (PMID: 16199547), and loss-of-function variants in ELP1 are known to be pathogenic (PMID: 18303054, 24173031).

Literature cited by the submitters: PubMed 16199547 (cited by Labcorp Genetics (formerly Invitae), Labcorp); PubMed 18303054 (cited by Labcorp Genetics (formerly Invitae), Labcorp); PubMed 24173031 (cited by Labcorp Genetics (formerly Invitae), Labcorp).